The following is an entry in ClinVar:

NM_001130823.3(DNMT1):c.3353A>T (p.His1118Leu)

Gene: DNMT1 (DNA methyltransferase 1; minus strand). Cytogenetic location: 19p13.2.
Variant type: single nucleotide variant.
Coding change: c.3353A>T on transcript NM_001130823.3 (MANE Select); coding-DNA position 3353, A replaced by T.
Protein change: p.His1118Leu; replaces histidine 1118 with leucine.
Molecular consequence: missense variant.
Genome position (GRCh38, 1-based): chr19:10,141,146, T>A on the plus strand (A>T on the coding strand, the complement: DNMT1 is on the minus strand). VCF-style: chr19-10141146-T-A. GRCh37 (hg19) VCF-style: chr19-10251822-T-A.
Other names: c.3305A>T, p.His1102Leu (NM_001379.4, NM_001318730.2); c.2990A>T, p.His997Leu (NM_001318731.2); short protein forms H997L, H1102L, H1118L.
Identifiers: ClinVar variation 2777666 (VCV002777666.3), dbSNP rs150331990, ClinGen allele CA9187774.

ClinVar aggregate classification (germline): Uncertain significance (1 of 4 stars; one submission).

Conditions:
Hereditary sensory neuropathy-deafness-dementia syndrome. Also called: Hereditary sensory neuropathy type IE; HSN IE; NEUROPATHY, HEREDITARY SENSORY, WITH HEARING LOSS AND DEMENTIA; Hereditary Sensory and Autonomic Neuropathy Type 1E (HSAN1E). Identifiers: Orphanet 456318, MedGen C3279885, MONDO:0013584, OMIM 614116.

Allele frequency attached by ClinVar (database versions not stated): TOPMed below 0.00001.
gnomAD v4.1: 1 of 1,614,018 alleles (0.000062%); highest among the groups gnomAD compares: Admixed American, 0.0017%; no homozygotes.

Submission:

Labcorp Genetics (formerly Invitae), Labcorp
Classification: Uncertain significance for Hereditary sensory neuropathy-deafness-dementia syndrome. Last evaluated: 2023-09-04. Review status: criteria provided, single submitter. Criteria: Invitae Variant Classification Sherloc (09022015). Collection method: clinical testing. Allele origin: germline.
Comment: In summary, the available evidence is currently insufficient to determine the role of this variant in disease. Therefore, it has been classified as a Variant of Uncertain Significance. Advanced modeling of protein sequence and biophysical properties (such as structural, functional, and spatial information, amino acid conservation, physicochemical variation, residue mobility, and thermodynamic stability) performed at Invitae indicates that this missense variant is not expected to disrupt DNMT1 protein function. This variant has not been reported in the literature in individuals affected with DNMT1-related conditions. This variant is present in population databases (rs150331990, gnomAD 0.003%). This sequence change replaces histidine, which is basic and polar, with leucine, which is neutral and non-polar, at codon 1118 of the DNMT1 protein (p.His1118Leu).